The following is an entry in ClinVar:

NM_001009944.3(PKD1):c.1391del (p.Leu464fs)

Gene: PKD1 (polycystin 1, transient receptor potential channel interacting; minus strand). Cytogenetic location: 16p13.3.
Variant type: Deletion.
Coding change: c.1391del on transcript NM_001009944.3 (MANE Select); coding-DNA position 1391, one base deleted (T; older notation c.1391delT).
Protein change: p.Leu464fs; shifts the reading frame from leucine 464.
Molecular consequence: frameshift variant.
Genome position (GRCh38, 1-based): chr16:2,117,048, A deleted on the plus strand (T on the coding strand, the reverse complement: PKD1 is on the minus strand). VCF-style (leftmost placement, unchanged base first): chr16-2117047-TA-T. GRCh37 (hg19) VCF-style: chr16-2167048-TA-T.
Other names: c.1391del, p.Leu464fs (NM_000296.4); short protein forms L464fs.
Identifiers: ClinVar variation 997388 (VCV000997388.1), dbSNP rs2092649198, ClinGen allele CA2202051418.

ClinVar aggregate classification (germline): Pathogenic (0 of 4 stars; one submission).

Conditions:
Polycystic kidney disease. Also called: Polycystic kidney dysplasia; Kidney, Polycystic. Identifiers: MedGen C0022680, MeSH D007690, MONDO:0020642, HP:0000113.

Submission:

Department of Pathology and Laboratory Medicine, Sinai Health System
Classification: Pathogenic for Polycystic Kidney disease. Review status: no assertion criteria provided. Collection method: clinical testing. Allele origin: unknown. Affected: yes. Study: The Canadian Open Genetics Repository (COGR).
Comment: The PKD1 p.Leu464GlnfsX94 variant was identified in 1 of 1400 proband chromosomes (frequency: 0.0007) from individuals or families with ADPKD (Audrezet 2012 22508176). The variant was not identified in dbSNP, ClinVar, Clinvitae, COGR, LOVD 3.0, ADPKD Mutation Database, PKD1-LOVD, the 1000 Genomes Project, the NHLBI GO Exome Sequencing Project, the Exome Aggregation Consortium (August 8th 2016), or the Genome Aggregation Database (Feb 27, 2017). The c.1391delT variant is predicted to cause a frameshift which alters the protein amino acid sequence beginning at codon 464 and leads to a premature stop codon at 94 codons downstream. This alteration is then predicted to result in a truncated or absent protein and loss of function. Loss of function variants of the PKD1 gene are an established mechanism of disease in autosomal dominant polycystic kidney disease and is the type of variant expected to cause the disorder. In summary, based on the above information this variant meets our laboratoryâ€šÃ„Ã´s criteria to be classified as pathogenic.